The following is an entry in ClinVar:

NM_001290043.2(TAP2):c.1540G>A (p.Ala514Thr)

Gene: TAP2 (transporter 2, ATP binding cassette subfamily B member; minus strand). Cytogenetic location: 6p21.32.
Variant type: single nucleotide variant.
Coding change: c.1540G>A on transcript NM_001290043.2 (MANE Select); coding-DNA position 1540, G replaced by A.
Protein change: p.Ala514Thr; replaces alanine 514 with threonine.
Molecular consequence: missense variant.
Genome position (GRCh38, 1-based): chr6:32,830,362, C>T on the plus strand (G>A on the coding strand, the complement: TAP2 is on the minus strand). VCF-style: chr6-32830362-C-T. GRCh37 (hg19) VCF-style: chr6-32798139-C-T.
Other names: c.1540G>A, p.Ala514Thr (NM_000544.3, NM_018833.3); short protein forms A514T.
Identifiers: ClinVar variation 1879656 (VCV001879656.29), dbSNP rs2483019170, ClinGen allele CA363580179.

ClinVar aggregate classification (germline): Uncertain significance (1 of 4 stars; one submission).

Submission:

CeGaT Center for Human Genetics Tuebingen
Classification: Uncertain significance. Last evaluated: 2022-10-01. Review status: criteria provided, single submitter. Criteria: CeGaT Center For Human Genetics Tuebingen Variant Classification Criteria Version 2. Collection method: clinical testing. Allele origin: germline. Affected: yes. Observed: 1 variant allele.
Comment: TAP2: PM2